The following is an entry in ClinVar:

NM_001655.5(ARCN1):c.866A>G (p.Asp289Gly)

Gene: ARCN1 (archain 1 coat protein complex I subunit delta; plus strand). Cytogenetic location: 11q23.3.
Variant type: single nucleotide variant.
Coding change: c.866A>G on transcript NM_001655.5 (MANE Select); coding-DNA position 866, A replaced by G.
Protein change: p.Asp289Gly; replaces aspartic acid 289 with glycine.
Molecular consequence: missense variant. On other transcripts: non-coding transcript variant (2).
Genome position (GRCh38, 1-based): chr11:118,590,388, A>G. VCF-style: chr11-118590388-A-G. GRCh37 (hg19) VCF-style: chr11-118461103-A-G.
Other names: c.602A>G, p.Asp201Gly (NM_001142281.2, NM_001425081.1); c.866A>G, p.Asp289Gly (NM_001425073.1, NM_001425078.1); c.863A>G, p.Asp288Gly (NM_001425074.1, NM_001425079.1); c.809A>G, p.Asp270Gly (NM_001425075.1); c.797A>G, p.Asp266Gly (NM_001425076.1); c.701A>G, p.Asp234Gly (NM_001425077.1); c.422A>G, p.Asp141Gly (NM_001425080.1); short protein forms D141G, D201G, D234G, D266G, D270G, D288G, D289G.
Identifiers: ClinVar variation 5018981 (VCV005018981.2).

ClinVar aggregate classification (germline): Uncertain significance (1 of 4 stars; one submission).

Conditions:
Short stature, rhizomelic, with microcephaly, micrognathia, and developmental delay (SSMG). Also called: SHORT STATURE-MICROGNATHIA SYNDROME. Identifiers: Orphanet 659702, MedGen C4310686, MONDO:0014948, OMIM 617164.

Submission:

Juno Genomics, Hangzhou Juno Genomics, Inc
Classification: Uncertain significance for Short stature, rhizomelic, with microcephaly, micrognathia, and developmental delay. Review status: criteria provided, single submitter. Criteria: ACMG Guidelines, 2015. Collection method: clinical testing. Allele origin: germline.
Comment: Absent from controls (or at extremely low frequency if recessive) in Genome Aggregation Database.;Multiple lines of computational evidence support a deleterious effect on the gene or gene product.